The following is an entry in ClinVar:

NM_015450.3(POT1):c.1135A>T (p.Lys379Ter)

Gene: POT1 (protection of telomeres 1; minus strand). Cytogenetic location: 7q31.33.
Variant type: single nucleotide variant.
Coding change: c.1135A>T on transcript NM_015450.3 (MANE Select); coding-DNA position 1135, A replaced by T.
Protein change: p.Lys379Ter; replaces lysine 379 with a stop codon.
Molecular consequence: nonsense. On other transcripts: non-coding transcript variant (3).
Genome position (GRCh38, 1-based): chr7:124,842,835, T>A on the plus strand (A>T on the coding strand, the complement: POT1 is on the minus strand). VCF-style: chr7-124842835-T-A. GRCh37 (hg19) VCF-style: chr7-124482889-T-A.
Other names: c.742A>T, p.Lys248Ter (NM_001042594.2); short protein forms K379*, K248*.
Identifiers: ClinVar variation 2562063 (VCV002562063.2), dbSNP rs2485401740, ClinGen allele CA369068187.

ClinVar aggregate classification (germline): Pathogenic (1 of 4 stars; one submission).

Conditions:
Hereditary cancer-predisposing syndrome. Also called: Neoplastic Syndromes, Hereditary; Hereditary Cancer Syndrome; Hereditary neoplastic syndrome; Tumor predisposition. Identifiers: Orphanet 140162, MedGen C0027672, MeSH D009386, MONDO:0015356.

Allele frequency attached by ClinVar (database versions not stated): gnomAD exomes below 0.00001.
gnomAD v4.1: 3 of 1,600,394 alleles (0.00019%); highest among the groups gnomAD compares: African/African-American, 0.0013%; no homozygotes.

Submission:

Ambry Genetics
Classification: Pathogenic for Hereditary cancer-predisposing syndrome. Last evaluated: 2023-04-05. Review status: criteria provided, single submitter. Criteria: Ambry Variant Classification Scheme 2023. Collection method: clinical testing. Allele origin: germline.
Comment: The p.K379* pathogenic mutation (also known as c.1135A>T), located in coding exon 9 of the POT1 gene, results from an A to T substitution at nucleotide position 1135. This changes the amino acid from a lysine to a stop codon within coding exon 9. This variant is considered to be rare based on population cohorts in the Genome Aggregation Database (gnomAD). This alteration is expected to result in loss of function by premature protein truncation or nonsense-mediated mRNA decay. As such, this alteration is interpreted as a disease-causing mutation.